The following is an entry in ClinVar:

NM_144670.6(A2ML1):c.3920G>T (p.Cys1307Phe)

Gene: A2ML1 (alpha-2-macroglobulin like 1; plus strand). Cytogenetic location: 12p13.31.
Variant type: single nucleotide variant.
Coding change: c.3920G>T on transcript NM_144670.6 (MANE Select); coding-DNA position 3920, G replaced by T.
Protein change: p.Cys1307Phe; replaces cysteine 1307 with phenylalanine.
Molecular consequence: missense variant.
Genome position (GRCh38, 1-based): chr12:8,868,044, G>T. VCF-style: chr12-8868044-G-T. GRCh37 (hg19) VCF-style: chr12-9020640-G-T.
Other names: c.2447G>T, p.Cys816Phe (NM_001282424.3); short protein forms C1307F, C816F.
Identifiers: ClinVar variation 4739125 (VCV004739125.1).

ClinVar aggregate classification (germline): Uncertain significance (1 of 4 stars; one submission).

gnomAD v4.1: 2 of 1,614,042 alleles (0.00012%); highest among the groups gnomAD compares: Admixed American, 0.0017%; no homozygotes.

Submission:

Labcorp Genetics (formerly Invitae), Labcorp
Classification: Uncertain significance. Last evaluated: 2025-11-01. Review status: criteria provided, single submitter. Criteria: Invitae Variant Classification Sherloc (09022015). Collection method: clinical testing. Allele origin: germline.
Comment: This sequence change replaces cysteine, which is neutral and slightly polar, with phenylalanine, which is neutral and non-polar, at codon 1307 of the A2ML1 protein (p.Cys1307Phe). This variant is present in population databases (rs749887494, gnomAD 0.007%). This variant has not been reported in the literature in individuals affected with A2ML1-related conditions. An algorithm developed to predict the effect of missense changes on protein structure and function (PolyPhen-2) suggests that this variant is likely to be disruptive. In summary, the available evidence is currently insufficient to determine the role of this variant in disease. Therefore, it has been classified as a Variant of Uncertain Significance.